The following is an entry in ClinVar:

NM_212559.3(XKRX):c.288A>G (p.Lys96=)

Genes: XKRX (XK related X-linked; minus strand), LOC126863293 (CDK7 strongly-dependent group 2 enhancer GRCh37_chrX:100182110-100183309; plus strand). Cytogenetic location: Xq22.1.
Variant type: single nucleotide variant.
Coding change: c.288A>G on transcript NM_212559.3 (MANE Select); coding-DNA position 288, A replaced by G.
Protein change: p.Lys96=; no amino-acid change (lysine 96 retained).
Molecular consequence: synonymous variant.
Genome position (GRCh38, 1-based): chrX:100,928,017, T>C on the plus strand (A>G on the coding strand, the complement: XKRX is on the minus strand). VCF-style: chrX-100928017-T-C. GRCh37 (hg19) VCF-style: chrX-100183006-T-C.
Identifiers: ClinVar variation 2661048 (VCV002661048.24), dbSNP rs2521886408, ClinGen allele CA517750108.

ClinVar aggregate classification (germline): Likely benign (1 of 4 stars; one submission).

Submission:

CeGaT Center for Human Genetics Tuebingen
Classification: Likely benign. Last evaluated: 2022-08-01. Review status: criteria provided, single submitter. Criteria: CeGaT Center For Human Genetics Tuebingen Variant Classification Criteria Version 2. Collection method: clinical testing. Allele origin: germline. Affected: yes. Observed: 1 variant allele.
Comment: XKRX: PM2:Supporting, BP4, BP7